The following is an entry in ClinVar:

NM_003055.3(SLC18A3):c.988G>T (p.Ala330Ser)

Genes: CHAT (choline O-acetyltransferase; plus strand), SLC18A3 (solute carrier family 18 member A3; plus strand). Cytogenetic location: 10q11.23.
Variant type: single nucleotide variant.
Coding change: c.988G>T on transcript NM_003055.3 (MANE Select); coding-DNA position 988, G replaced by T.
Protein change: p.Ala330Ser; replaces alanine 330 with serine.
Molecular consequence: missense variant. On other transcripts: intron variant (1).
Genome position (GRCh38, 1-based): chr10:49,611,728, G>T. VCF-style: chr10-49611728-G-T. GRCh37 (hg19) VCF-style: chr10-50819774-G-T.
Other names: c.-69+2529G>T (NM_020984.4); short protein forms A330S.
Identifiers: ClinVar variation 2059089 (VCV002059089.4), dbSNP rs2496273414, ClinGen allele CA376721615.

ClinVar aggregate classification (germline): Uncertain significance (1 of 4 stars; one submission).

Allele frequency attached by ClinVar (database versions not stated): gnomAD exomes below 0.00001.
gnomAD v4.1: 2 of 1,606,050 alleles (0.00012%); highest among the groups gnomAD compares: Non-Finnish European, 0.00017%; no homozygotes.

Submission:

Labcorp Genetics (formerly Invitae), Labcorp
Classification: Uncertain significance. Last evaluated: 2021-12-24. Review status: criteria provided, single submitter. Criteria: Invitae Variant Classification Sherloc (09022015). Collection method: clinical testing. Allele origin: germline.
Comment: This sequence change replaces alanine, which is neutral and non-polar, with serine, which is neutral and polar, at codon 330 of the SLC18A3 protein (p.Ala330Ser). This variant is not present in population databases (gnomAD no frequency). This variant has not been reported in the literature in individuals affected with SLC18A3-related conditions. Algorithms developed to predict the effect of missense changes on protein structure and function (SIFT, PolyPhen-2, Align-GVGD) all suggest that this variant is likely to be tolerated. In summary, the available evidence is currently insufficient to determine the role of this variant in disease. Therefore, it has been classified as a Variant of Uncertain Significance.